The following is an entry in ClinVar:

ClinVar aggregate classification (germline): Uncertain significance (1 of 4 stars; one submission).

Allele frequency attached by ClinVar (database versions not stated): gnomAD 0.00001; TOPMed 0.00001.
gnomAD v4.1: 1 of 1,612,386 alleles (0.000062%); highest among the groups gnomAD compares: Non-Finnish European, 0.000085%; no homozygotes.

Submission:

Labcorp Genetics (formerly Invitae), Labcorp
Classification: Uncertain significance. Last evaluated: 2023-05-16. Review status: criteria provided, single submitter. Criteria: Invitae Variant Classification Sherloc (09022015). Collection method: clinical testing. Allele origin: germline.
Comment: In summary, the available evidence is currently insufficient to determine the role of this variant in disease. Therefore, it has been classified as a Variant of Uncertain Significance. Variants that disrupt the consensus splice site are a relatively common cause of aberrant splicing (PMID: 17576681, 9536098). Algorithms developed to predict the effect of sequence changes on RNA splicing suggest that this variant may disrupt the consensus splice site. Algorithms developed to predict the effect of missense changes on protein structure and function output the following: SIFT: "Not Available"; PolyPhen-2: "Benign"; Align-GVGD: "Not Available". The isoleucine amino acid residue is found in multiple mammalian species, which suggests that this missense change does not adversely affect protein function. ClinVar contains an entry for this variant (Variation ID: 1975085). This variant has not been reported in the literature in individuals affected with ANGPT1-related conditions. This variant is not present in population databases (gnomAD no frequency). This sequence change replaces valine, which is neutral and non-polar, with isoleucine, which is neutral and non-polar, at codon 270 of the ANGPT1 protein (p.Val270Ile). This variant also falls at the last nucleotide of exon 4, which is part of the consensus splice site for this exon.

Literature cited by the submitters: PubMed 17576681; PubMed 9536098.

NM_001146.5(ANGPT1):c.808G>A (p.Val270Ile)

Gene: ANGPT1 (angiopoietin 1; minus strand). Cytogenetic location: 8q23.1.
Variant type: single nucleotide variant.
Coding change: c.808G>A on transcript NM_001146.5 (MANE Select); coding-DNA position 808, G replaced by A.
Protein change: p.Val270Ile; replaces valine 270 with isoleucine.
Molecular consequence: missense variant. On other transcripts: intron variant (1).
Genome position (GRCh38, 1-based): chr8:107,321,896, C>T on the plus strand (G>A on the coding strand, the complement: ANGPT1 is on the minus strand). VCF-style: chr8-107321896-C-T. GRCh37 (hg19) VCF-style: chr8-108334124-C-T.
Other names: c.208G>A, p.Val70Ile (NM_001314051.2); c.805+3G>A (NM_001199859.3); short protein forms V270I, V70I.
Identifiers: ClinVar variation 1975085 (VCV001975085.5), dbSNP rs1815157737, ClinGen allele CA372033528.